The following is an entry in ClinVar:

ClinVar aggregate classification (germline): Uncertain significance. Review status: criteria provided, multiple submitters, no conflicts (2 of 4 stars). 2 submissions from 2 submitters: Uncertain significance (2). Last evaluated 2025-05-27.

Conditions:
Hereditary cancer-predisposing syndrome. Also called: Neoplastic Syndromes, Hereditary; Tumor predisposition; Hereditary Cancer Syndrome; Hereditary neoplastic syndrome. Identifiers: Orphanet 140162, MedGen C0027672, MeSH D009386, MONDO:0015356.
Rhabdoid tumor predisposition syndrome 2 (RTPS2). Identifiers: Orphanet 231108, Orphanet 69077, MedGen C2750074, MONDO:0013224, OMIM 613325.

Allele frequency attached by ClinVar (database versions not stated): gnomAD exomes below 0.00001.
gnomAD v4.1: 1 of 1,610,550 alleles (0.000062%); highest among the groups gnomAD compares: Non-Finnish European, 0.000085%; no homozygotes.

Submissions (2):

Labcorp Genetics (formerly Invitae), Labcorp
Classification: Uncertain significance for Rhabdoid tumor predisposition syndrome 2. Last evaluated: 2025-05-27. Review status: criteria provided, single submitter. Criteria: Invitae Variant Classification Sherloc (09022015). Collection method: clinical testing. Allele origin: germline.
Comment: This sequence change replaces methionine, which is neutral and non-polar, with isoleucine, which is neutral and non-polar, at codon 43 of the SMARCA4 protein (p.Met43Ile). This variant is not present in population databases (gnomAD no frequency). This variant has not been reported in the literature in individuals affected with SMARCA4-related conditions. ClinVar contains an entry for this variant (Variation ID: 652117). Invitae Evidence Modeling of protein sequence and biophysical properties (such as structural, functional, and spatial information, amino acid conservation, physicochemical variation, residue mobility, and thermodynamic stability) has been performed for this missense variant. However, the output from this modeling did not meet the statistical confidence thresholds required to predict the impact of this variant on SMARCA4 protein function. In summary, the available evidence is currently insufficient to determine the role of this variant in disease. Therefore, it has been classified as a Variant of Uncertain Significance.

Ambry Genetics
Classification: Uncertain significance for Hereditary cancer-predisposing syndrome. Last evaluated: 2025-05-09. Review status: criteria provided, single submitter. Criteria: Ambry Variant Classification Scheme 2023. Collection method: clinical testing. Allele origin: germline.
Comment: The p.M43I variant (also known as c.129G>A), located in coding exon 1 of the SMARCA4 gene, results from a G to A substitution at nucleotide position 129. The methionine at codon 43 is replaced by isoleucine, an amino acid with highly similar properties. This amino acid position is conserved. In addition, the in silico prediction for this alteration is inconclusive. Based on the available evidence, the clinical significance of this variant remains unclear.

NM_003072.5(SMARCA4):c.129G>A (p.Met43Ile)

Gene: SMARCA4 (SWI/SNF related BAF chromatin remodeling complex subunit ATPase 4; plus strand). Cytogenetic location: 19p13.2.
Variant type: single nucleotide variant.
Coding change: c.129G>A on transcript NM_003072.5 (MANE Select); coding-DNA position 129, G replaced by A.
Protein change: p.Met43Ile; replaces methionine 43 with isoleucine.
Molecular consequence: missense variant. On other transcripts: non-coding transcript variant (1).
Genome position (GRCh38, 1-based): chr19:10,984,280, G>A. VCF-style: chr19-10984280-G-A. GRCh37 (hg19) VCF-style: chr19-11094956-G-A.
Other names: c.129G>A, p.Met43Ile (NM_001128844.3, NM_001128845.2, NM_001128846.2 and 5 more transcripts); short protein forms M43I.
Identifiers: ClinVar variation 652117 (VCV000652117.11), dbSNP rs1599929580, ClinGen allele CA404054362.